The following is an entry in ClinVar:

ClinVar aggregate classification (germline): Uncertain significance. Review status: criteria provided, multiple submitters, no conflicts (2 of 4 stars). 3 submissions from 3 submitters: Uncertain significance (3). Last evaluated 2025-09-22.

Conditions:
Aortic aneurysm, familial thoracic 8 (AAT8). Identifiers: MedGen C3809513, MONDO:0014187, OMIM 615436.
Familial thoracic aortic aneurysm and aortic dissection (TAAD). Also called: Thoracic aortic aneurysms and dissections. Identifiers: Orphanet 91387, MedGen C4707243, MONDO:0019625.

Allele frequency attached by ClinVar (database versions not stated): TOPMed below 0.00001; gnomAD exomes 0.00001.
gnomAD v4.1: 15 of 1,608,710 alleles (0.00093%); highest among the groups gnomAD compares: Non-Finnish European, 0.0012%; no homozygotes.

Submissions (3):

Labcorp Genetics (formerly Invitae), Labcorp
Classification: Uncertain significance for Aortic aneurysm, familial thoracic 8. Last evaluated: 2025-09-22. Review status: criteria provided, single submitter. Criteria: Invitae Variant Classification Sherloc (09022015). Collection method: clinical testing. Allele origin: germline.
Comment: This sequence change replaces tryptophan, which is neutral and slightly polar, with arginine, which is basic and polar, at codon 304 of the PRKG1 protein (p.Trp304Arg). This variant is not present in population databases (gnomAD no frequency). This variant has not been reported in the literature in individuals affected with PRKG1-related conditions. ClinVar contains an entry for this variant (Variation ID: 1765846). An algorithm developed to predict the effect of missense changes on protein structure and function (PolyPhen-2) suggests that this variant is likely to be tolerated. In summary, the available evidence is currently insufficient to determine the role of this variant in disease. Therefore, it has been classified as a Variant of Uncertain Significance.

GeneDx
Classification: Uncertain significance. Last evaluated: 2022-11-10. Review status: criteria provided, single submitter. Criteria: GeneDx Variant Classification Process June 2021. Collection method: clinical testing. Allele origin: germline. Affected: yes.
Comment: Not observed at significant frequency in large population cohorts (gnomAD); In silico analysis supports that this missense variant has a deleterious effect on protein structure/function; Has not been previously published as pathogenic or benign to our knowledge

Ambry Genetics
Classification: Uncertain significance for Familial thoracic aortic aneurysm and aortic dissection. Last evaluated: 2022-08-08. Review status: criteria provided, single submitter. Criteria: Ambry Variant Classification Scheme 2023. Collection method: clinical testing. Allele origin: germline.
Comment: The p.W304R variant (also known as c.910T>A), located in coding exon 7 of the PRKG1 gene, results from a T to A substitution at nucleotide position 910. The tryptophan at codon 304 is replaced by arginine, an amino acid with dissimilar properties. This amino acid position is conserved. In addition, this alteration is predicted to be deleterious by in silico analysis. Since supporting evidence is limited at this time, the clinical significance of this alteration remains unclear.

NM_006258.4(PRKG1):c.910T>A (p.Trp304Arg)

Gene: PRKG1 (protein kinase cGMP-dependent 1; plus strand). Cytogenetic location: 10q21.1.
Variant type: single nucleotide variant.
Coding change: c.910T>A on transcript NM_006258.4 (MANE Select); coding-DNA position 910, T replaced by A.
Protein change: p.Trp304Arg; replaces tryptophan 304 with arginine.
Molecular consequence: missense variant. On other transcripts: 5 prime UTR variant (1).
Genome position (GRCh38, 1-based): chr10:52,062,606, T>A. VCF-style: chr10-52062606-T-A. GRCh37 (hg19) VCF-style: chr10-53822366-T-A.
Other names: c.865T>A, p.Trp289Arg (NM_001098512.3); c.-300T>A (NM_001374781.1); c.910T>A, p.Trp304Arg (NM_001374782.1); short protein forms W289R, W304R.
Identifiers: ClinVar variation 1765846 (VCV001765846.6), dbSNP rs552050951, ClinGen allele CA376534111.